The following is an entry in ClinVar:

ClinVar aggregate classification (germline): Uncertain significance (1 of 4 stars; one submission).

Conditions:
Hereditary cancer-predisposing syndrome. Also called: Neoplastic Syndromes, Hereditary; Hereditary Cancer Syndrome; Tumor predisposition; Hereditary neoplastic syndrome. Identifiers: Orphanet 140162, MedGen C0027672, MeSH D009386, MONDO:0015356.

Submission:

Ambry Genetics
Classification: Uncertain significance for Hereditary cancer-predisposing syndrome. Last evaluated: 2025-01-14. Review status: criteria provided, single submitter. Criteria: Ambry Variant Classification Scheme 2023. Collection method: clinical testing. Allele origin: germline.
Comment: The p.A661S variant (also known as c.1981G>T), located in coding exon 18 of the POLE gene, results from a G to T substitution at nucleotide position 1981. The alanine at codon 661 is replaced by serine, an amino acid with similar properties. This amino acid position is conserved. In addition, this alteration is predicted to be tolerated by in silico analysis. Based on the available evidence, the clinical significance of this variant remains unclear.

NM_006231.4(POLE):c.1981G>T (p.Ala661Ser)

Gene: POLE (DNA polymerase epsilon, catalytic subunit; minus strand). Cytogenetic location: 12q24.33.
Variant type: single nucleotide variant.
Coding change: c.1981G>T on transcript NM_006231.4 (MANE Select); coding-DNA position 1981, G replaced by T.
Protein change: p.Ala661Ser; replaces alanine 661 with serine.
Molecular consequence: missense variant.
Genome position (GRCh38, 1-based): chr12:132,668,680, C>A on the plus strand (G>T on the coding strand, the complement: POLE is on the minus strand). VCF-style: chr12-132668680-C-A. GRCh37 (hg19) VCF-style: chr12-133245266-C-A.
Other names: short protein forms A661S.
Identifiers: ClinVar variation 3781560 (VCV003781560.1).